The following is an entry in ClinVar:

NM_000135.4(FANCA):c.4144A>G (p.Arg1382Gly)

Genes: FANCA (FA complementation group A; minus strand), ZNF276 (zinc finger protein 276; plus strand). Cytogenetic location: 16q24.3.
Variant type: single nucleotide variant.
Coding change: c.4144A>G on transcript NM_000135.4 (MANE Select); coding-DNA position 4144, A replaced by G.
Protein change: p.Arg1382Gly; replaces arginine 1382 with glycine.
Molecular consequence: missense variant. On other transcripts: 3 prime UTR variant (2), non-coding transcript variant (4).
Genome position (GRCh38, 1-based): chr16:89,739,156, T>C on the plus strand (A>G on the coding strand, the complement: FANCA is on the minus strand). VCF-style: chr16-89739156-T-C. GRCh37 (hg19) VCF-style: chr16-89805564-T-C.
Other names: c.4144A>G, p.Arg1382Gly (NM_001286167.3); c.*910T>C (NM_001113525.2, NM_152287.4); short protein forms R1382G.
Identifiers: ClinVar variation 3848204 (VCV003848204.1).

ClinVar aggregate classification (germline): Uncertain significance (1 of 4 stars; one submission).

Conditions:
Inborn genetic diseases. Identifiers: MedGen C0950123, MeSH D030342.

gnomAD v4.1: 3 of 1,614,164 alleles (0.00019%); highest among the groups gnomAD compares: Non-Finnish European, 0.00025%; no homozygotes.

Submission:

Ambry Genetics
Classification: Uncertain significance for Inborn genetic diseases. Last evaluated: 2025-02-08. Review status: criteria provided, single submitter. Criteria: Ambry Variant Classification Scheme 2023. Collection method: clinical testing. Allele origin: germline.
Comment: The p.R1382G variant (also known as c.4144A>G), located in coding exon 41 of the FANCA gene, results from an A to G substitution at nucleotide position 4144. The arginine at codon 1382 is replaced by glycine, an amino acid with dissimilar properties. This amino acid position is conserved. In addition, this alteration is predicted to be tolerated by in silico analysis. Based on the available evidence, the clinical significance of this variant remains unclear.